The following is an entry in ClinVar:

NM_001199397.3(NEK1):c.1553A>C (p.Asn518Thr)

Gene: NEK1 (NIMA related kinase 1; minus strand). Cytogenetic location: 4q33.
Variant type: single nucleotide variant.
Coding change: c.1553A>C on transcript NM_001199397.3 (MANE Select); coding-DNA position 1553, A replaced by C.
Protein change: p.Asn518Thr; replaces asparagine 518 with threonine.
Molecular consequence: missense variant. On other transcripts: non-coding transcript variant (1), intron variant (3).
Genome position (GRCh38, 1-based): chr4:169,555,729, T>G on the plus strand (A>C on the coding strand, the complement: NEK1 is on the minus strand). VCF-style: chr4-169555729-T-G. GRCh37 (hg19) VCF-style: chr4-170476880-T-G.
Other names: c.1553A>C, p.Asn518Thr (NM_001374418.1, NM_001374419.1, NM_012224.4); c.1502A>C, p.Asn501Thr (NM_001374420.1); c.1427A>C, p.Asn476Thr (NM_001374421.1); c.1355+203A>C (NM_001199399.3); c.1430+203A>C (NM_001199398.3, NM_001199400.3); short protein forms N476T, N518T, N501T.
Identifiers: ClinVar variation 2723086 (VCV002723086.3), dbSNP rs753918010, ClinGen allele CA358733570.
Genomic context (GRCh38, chr4:169,555,729, plus strand): 5'-AAACGACAAAATTACACACATGGATGAATTCATGGATCATCACAGTCCAACCTGTTTGCA[T>G]TGGCTTGTTTAGACACCGCCTTCAATCTTTTCAAAGTTTTTCTAATATCATCAGCATCAG-3'
Protein context (NP_001186326.1, residues 508-528): KRLKAVSKQA[Asn518Thr]ANRQKGQLAV

ClinVar aggregate classification (germline): Uncertain significance (1 of 4 stars; one submission).

Conditions:
Short-rib thoracic dysplasia 6 with or without polydactyly (SRTD6). Also called: SHORT-RIB THORACIC DYSPLASIA 6 WITH POLYDACTYLY; Majewski Syndrome; POLYDACTYLY WITH NEONATAL CHONDRODYSTROPHY, TYPE II; SHORT RIB-POLYDACTYLY SYNDROME, TYPE IIA; SHORT-RIB THORACIC DYSPLASIA 6 WITHOUT POLYDACTYLY. Identifiers: MedGen C0024507, MONDO:0009894, OMIM 263520.

gnomAD v4.1: 1 of 1,613,714 alleles (0.000062%); highest among the groups gnomAD compares: Admixed American, 0.0017%; no homozygotes.

Submission:

Labcorp Genetics (formerly Invitae), Labcorp
Classification: Uncertain significance for Short-rib thoracic dysplasia 6 with or without polydactyly. Last evaluated: 2023-10-19. Review status: criteria provided, single submitter. Criteria: Invitae Variant Classification Sherloc (09022015). Collection method: clinical testing. Allele origin: germline.
Comment: This sequence change replaces asparagine, which is neutral and polar, with threonine, which is neutral and polar, at codon 518 of the NEK1 protein (p.Asn518Thr). This variant is not present in population databases (gnomAD no frequency). This variant has not been reported in the literature in individuals affected with NEK1-related conditions. Advanced modeling of protein sequence and biophysical properties (such as structural, functional, and spatial information, amino acid conservation, physicochemical variation, residue mobility, and thermodynamic stability) performed at Invitae indicates that this missense variant is not expected to disrupt NEK1 protein function. In summary, the available evidence is currently insufficient to determine the role of this variant in disease. Therefore, it has been classified as a Variant of Uncertain Significance.